The following is an entry in ClinVar:

NM_005911.6(MAT2A):c.995T>C (p.Ile332Thr)

Genes: GGCX (gamma-glutamyl carboxylase; minus strand), MAT2A (methionine adenosyltransferase 2A; plus strand). Cytogenetic location: 2p11.2.
Variant type: single nucleotide variant.
Coding change: c.995T>C on transcript NM_005911.6 (MANE Select); coding-DNA position 995, T replaced by C.
Protein change: p.Ile332Thr; replaces isoleucine 332 with threonine.
Molecular consequence: missense variant.
Genome position (GRCh38, 1-based): chr2:85,542,944, T>C. VCF-style: chr2-85542944-T-C. GRCh37 (hg19) VCF-style: chr2-85770067-T-C.
Other names: short protein forms I332T.
Identifiers: ClinVar variation 4998099 (VCV004998099.1).
Genomic context (GRCh38, chr2:85,542,944, plus strand): 5'-CATTTGAATCCTTTTAGGTCTCTTATGCTATTGGAGTTTCTCATCCATTATCTATCTCCA[T>C]TTTCCATTATGGTACCTCTCAGAAGAGTGAGAGAGAGCTATTAGAGATTGTGAAGAAGAA-3'
Protein context (NP_005902.1, residues 322-342): IGVSHPLSIS[Ile332Thr]FHYGTSQKSE

ClinVar aggregate classification (germline): Uncertain significance (1 of 4 stars; one submission).

Conditions:
MAT2A-related disorder. Also called: MAT2A-related condition.

Submission:

PreventionGenetics, part of Exact Sciences
Classification: Uncertain significance for MAT2A-related condition. Last evaluated: 2025-07-08. Review status: criteria provided, single submitter. Criteria: ACMG Guidelines, 2015. Collection method: clinical testing. Allele origin: germline.
Comment: The MAT2A c.995T>C variant is predicted to result in the amino acid substitution p.Ile332Thr. To our knowledge, this variant has not been reported in the literature or in a large population database (gnomAD), indicating this variant is rare. At this time, the clinical significance of this variant is uncertain due to the absence of conclusive functional and genetic evidence.